The following is an entry in ClinVar:

NM_004260.4(RECQL4):c.3083T>C (p.Val1028Ala)

Gene: RECQL4 (RecQ like helicase 4; minus strand). Cytogenetic location: 8q24.3.
Variant type: single nucleotide variant.
Coding change: c.3083T>C on transcript NM_004260.4 (MANE Select); coding-DNA position 3083, T replaced by C.
Protein change: p.Val1028Ala; replaces valine 1028 with alanine.
Molecular consequence: missense variant.
Genome position (GRCh38, 1-based): chr8:144,512,297, A>G on the plus strand (T>C on the coding strand, the complement: RECQL4 is on the minus strand). VCF-style: chr8-144512297-A-G. GRCh37 (hg19) VCF-style: chr8-145737680-A-G.
Other names: short protein forms V1028A.
Identifiers: ClinVar variation 850110 (VCV000850110.6), dbSNP rs952414985, ClinGen allele CA372670772.

ClinVar aggregate classification (germline): Uncertain significance (1 of 4 stars; one submission).

Conditions:
Baller-Gerold syndrome (BGS). Also called: CRANIOSYNOSTOSIS WITH RADIAL DEFECTS. Identifiers: Orphanet 1225, MedGen C0265308, MONDO:0009039, OMIM 218600.

Allele frequency attached by ClinVar (database versions not stated): gnomAD exomes 0.00001.
gnomAD v4.1: 9 of 1,612,486 alleles (0.00056%); highest among the groups gnomAD compares: African/African-American, 0.0013%; no homozygotes.

Submission:

Labcorp Genetics (formerly Invitae), Labcorp
Classification: Uncertain significance for Baller-Gerold syndrome. Last evaluated: 2023-05-08. Review status: criteria provided, single submitter. Criteria: Invitae Variant Classification Sherloc (09022015). Collection method: clinical testing. Allele origin: germline.
Comment: In summary, the available evidence is currently insufficient to determine the role of this variant in disease. Therefore, it has been classified as a Variant of Uncertain Significance. Advanced modeling of protein sequence and biophysical properties (such as structural, functional, and spatial information, amino acid conservation, physicochemical variation, residue mobility, and thermodynamic stability) has been performed at Invitae for this missense variant, however the output from this modeling did not meet the statistical confidence thresholds required to predict the impact of this variant on RECQL4 protein function. ClinVar contains an entry for this variant (Variation ID: 850110). This variant has not been reported in the literature in individuals affected with RECQL4-related conditions. This variant is not present in population databases (gnomAD no frequency). This sequence change replaces valine, which is neutral and non-polar, with alanine, which is neutral and non-polar, at codon 1028 of the RECQL4 protein (p.Val1028Ala).